The following is an entry in ClinVar:

NM_152268.4(PARS2):c.1299G>A (p.Val433=)

Gene: PARS2 (prolyl-tRNA synthetase 2, mitochondrial; minus strand). Cytogenetic location: 1p32.3.
Variant type: single nucleotide variant.
Coding change: c.1299G>A on transcript NM_152268.4 (MANE Select); coding-DNA position 1299, G replaced by A.
Protein change: p.Val433=; no amino-acid change (valine 433 retained).
Molecular consequence: synonymous variant.
Genome position (GRCh38, 1-based): chr1:54,757,863, C>T on the plus strand (G>A on the coding strand, the complement: PARS2 is on the minus strand). VCF-style: chr1-54757863-C-T. GRCh37 (hg19) VCF-style: chr1-55223536-C-T.
Identifiers: ClinVar variation 386357 (VCV000386357.37), dbSNP rs141040125, ClinGen allele CA869327.
Genomic context (GRCh38, chr1:54,757,863, plus strand): 5'-GTTCTGACACCAAACCTCAAAATGTGCAGGGTCCTCCAGGGCCCTCTTGCCAGCGATTAT[C>T]ACAAAGGGGTAGCCAAACTTGTTGGCATCTTTCAGTCTGTTTCCGATGGTCAGATGGGTC-3'
Protein context (NP_689481.2, residues 423-443): KDANKFGYPF[Val433=]IIAGKRALED

ClinVar aggregate classification (germline): Benign/Likely benign. Review status: criteria provided, multiple submitters, no conflicts (2 of 4 stars). 4 submissions from 4 submitters: Benign (1); Likely benign (3). Last evaluated 2026-01-19.

Allele frequency attached by ClinVar (database versions not stated): ESP Exome Variant Server 0.00015; gnomAD 0.00019 and 0.00036; TOPMed 0.00026; gnomAD exomes 0.00045 and 0.00078; ExAC 0.00074; 1000 Genomes Project 30x 0.00125; 1000 Genomes Project 0.00160.
gnomAD v4.1: 728 of 1,614,216 alleles (0.045%); highest among the groups gnomAD compares: South Asian, 0.45%; 4 homozygotes.

Submissions (4):

Labcorp Genetics (formerly Invitae), Labcorp
Classification: Benign. Last evaluated: 2026-01-19. Review status: criteria provided, single submitter. Criteria: Invitae Variant Classification Sherloc (09022015). Collection method: clinical testing. Allele origin: germline.

Blueprint Genetics
Classification: Likely benign. Last evaluated: 2024-10-09. Review status: criteria provided, single submitter. Criteria: ACMG Guidelines, 2015. Collection method: clinical testing. Allele origin: germline.

CeGaT Center for Human Genetics Tuebingen
Classification: Likely benign. Last evaluated: 2023-11-01. Review status: criteria provided, single submitter. Criteria: CeGaT Center For Human Genetics Tuebingen Variant Classification Criteria Version 2. Collection method: clinical testing. Allele origin: germline. Affected: yes. Observed: 3 variant alleles.
Comment: PARS2: BP4, BP7

GeneDx
Classification: Likely benign. Last evaluated: 2018-05-22. Review status: criteria provided, single submitter. Criteria: GeneDx Variant Classification Process June 2021. Collection method: clinical testing. Allele origin: germline. Affected: yes.